The following is an entry in ClinVar:

ClinVar aggregate classification (germline): Uncertain significance (1 of 4 stars; one submission).

Allele frequency attached by ClinVar (database versions not stated): ExAC 0.00001; gnomAD exomes 0.00001; TOPMed 0.00003; gnomAD 0.00005 and 0.00006.

Submission:

Labcorp Genetics (formerly Invitae), Labcorp
Classification: Uncertain significance. Last evaluated: 2022-09-27. Review status: criteria provided, single submitter. Criteria: Invitae Variant Classification Sherloc (09022015). Collection method: clinical testing. Allele origin: germline.
Comment: In summary, the available evidence is currently insufficient to determine the role of this variant in disease. Therefore, it has been classified as a Variant of Uncertain Significance. Algorithms developed to predict the effect of missense changes on protein structure and function (SIFT, PolyPhen-2, Align-GVGD) all suggest that this variant is likely to be tolerated. ClinVar contains an entry for this variant (Variation ID: 959910). This variant has not been reported in the literature in individuals affected with PCARE-related conditions. This variant is present in population databases (rs750706895, gnomAD 0.02%). This sequence change replaces alanine, which is neutral and non-polar, with aspartic acid, which is acidic and polar, at codon 417 of the PCARE protein (p.Ala417Asp).

NM_001029883.3(PCARE):c.1250C>A (p.Ala417Asp)

Gene: PCARE (photoreceptor cilium actin regulator; minus strand). Cytogenetic location: 2p23.2.
Variant type: single nucleotide variant.
Coding change: c.1250C>A on transcript NM_001029883.3 (MANE Select); coding-DNA position 1250, C replaced by A.
Protein change: p.Ala417Asp; replaces alanine 417 with aspartic acid.
Molecular consequence: missense variant.
Genome position (GRCh38, 1-based): chr2:29,073,012, G>T on the plus strand (C>A on the coding strand, the complement: PCARE is on the minus strand). VCF-style: chr2-29073012-G-T. GRCh37 (hg19) VCF-style: chr2-29295878-G-T.
Other names: short protein forms A417D.
Identifiers: ClinVar variation 959910 (VCV000959910.9), dbSNP rs750706895, ClinGen allele CA1592468.